The following is an entry in ClinVar:

NM_004715.5(CTDP1):c.232C>T (p.Arg78Trp)

Gene: CTDP1 (CTD phosphatase subunit 1; plus strand). Cytogenetic location: 18q23.
Variant type: single nucleotide variant.
Coding change: c.232C>T on transcript NM_004715.5 (MANE Select); coding-DNA position 232, C replaced by T.
Protein change: p.Arg78Trp; replaces arginine 78 with tryptophan.
Molecular consequence: missense variant.
Genome position (GRCh38, 1-based): chr18:79,680,179, C>T. VCF-style: chr18-79680179-C-T. GRCh37 (hg19) VCF-style: chr18-77440179-C-T.
Other names: c.232C>T, p.Arg78Trp (NM_001318511.2, NM_048368.4); c.232C>T (NM_004715.4); short protein forms R78W.
Identifiers: ClinVar variation 1380101 (VCV001380101.4), dbSNP rs1400279314, ClinGen allele CA402825218.
Genomic context (GRCh38, chr18:79,680,179, plus strand): 5'-GCGCAGTCCTCCGGGGCCTCTCAGTCCCGTGTAGCCTCCGGGGGCTGCGTGCGCCCCGCG[C>T]GGCCGGAACGCAGGCTGAGGTCGGAGCGCGCGGGCGTGGTGCGGGAGCTGTGCGCGCAGC-3'
Protein context (NP_004706.3, residues 68-88): VASGGCVRPA[Arg78Trp]PERRLRSERA

ClinVar aggregate classification (germline): Uncertain significance. Review status: criteria provided, multiple submitters, no conflicts (2 of 4 stars). 2 submissions from 2 submitters: Uncertain significance (2). Last evaluated 2024-02-13.

Allele frequency attached by ClinVar (database versions not stated): gnomAD 0.00007 and 0.00008; TOPMed 0.00008.
gnomAD v4.1: 24 of 1,381,830 alleles (0.0017%); highest among the groups gnomAD compares: African/African-American, 0.031%; no homozygotes.

Submissions (2):

Ambry Genetics
Classification: Uncertain significance. Last evaluated: 2024-02-13. Review status: criteria provided, single submitter. Criteria: Ambry Variant Classification Scheme 2023. Collection method: clinical testing. Allele origin: germline.

Labcorp Genetics (formerly Invitae), Labcorp
Classification: Uncertain significance. Last evaluated: 2022-01-15. Review status: criteria provided, single submitter. Criteria: Invitae Variant Classification Sherloc (09022015). Collection method: clinical testing. Allele origin: germline.
Comment: This sequence change replaces arginine, which is basic and polar, with tryptophan, which is neutral and slightly polar, at codon 78 of the CTDP1 protein (p.Arg78Trp). This variant is present in population databases (no rsID available, gnomAD 0.03%). This variant has not been reported in the literature in individuals affected with CTDP1-related conditions. Algorithms developed to predict the effect of missense changes on protein structure and function are either unavailable or do not agree on the potential impact of this missense change (SIFT: "Deleterious"; PolyPhen-2: "Possibly Damaging"; Align-GVGD: "Class C0"). In summary, the available evidence is currently insufficient to determine the role of this variant in disease. Therefore, it has been classified as a Variant of Uncertain Significance.